The following is an entry in ClinVar:

NM_005859.5(PURA):c.109_126dup (p.Gly42_Ser43insGlyGlyGlyGlyGlyGly)

Gene: PURA (purine rich element binding protein A; plus strand). Cytogenetic location: 5q31.3.
Variant type: Duplication.
Coding change: c.109_126dup on transcript NM_005859.5 (MANE Select); coding-DNA positions 109 to 126, 18 bases duplicated (GGCGGGGGCGGCGGCGGC).
Protein change: p.Gly42_Ser43insGlyGlyGlyGlyGlyGly.
Molecular consequence: inframe insertion.
Genome position (GRCh38, 1-based): chr5:140,114,290-140,114,307, GGCGGGGGCGGCGGCGGC duplicated; duplicating any 18 consecutive bases within chr5:140,114,287-140,114,307 gives the same sequence; the c. name uses the placement nearest the transcript's 3' end. VCF-style (leftmost placement, unchanged base first): chr5-140114286-T-TGGCGGCGGGGGCGGCGGC. GRCh37 (hg19) VCF-style: chr5-139493871-T-TGGCGGCGGGGGCGGCGGC.
Identifiers: ClinVar variation 2960505 (VCV002960505.3), dbSNP rs1561793030, ClinGen allele CA2675565412.

ClinVar aggregate classification (germline): Uncertain significance (1 of 4 stars; one submission).

Conditions:
PURA-related severe neonatal hypotonia-seizures-encephalopathy syndrome (NEDRIHF). Also called: NEURODEVELOPMENTAL DISORDER WITH NEONATAL RESPIRATORY INSUFFICIENCY, HYPOTONIA, AND FEEDING DIFFICULTIES; PURA-Related Neurodevelopmental Disorders. Identifiers: Orphanet 438213, Orphanet 438216, MedGen C4015357, MONDO:1060108, OMIM 616158, MONDO:0018580.

Submission:

Labcorp Genetics (formerly Invitae), Labcorp
Classification: Uncertain significance for PURA-related severe neonatal hypotonia-seizures-encephalopathy syndrome. Last evaluated: 2023-12-21. Review status: criteria provided, single submitter. Criteria: Invitae Variant Classification Sherloc (09022015). Collection method: clinical testing. Allele origin: germline.
Comment: This variant, c.109_126dup, results in the insertion of 6 amino acid(s) of the PURA protein (p.Gly37_Gly42dup), but otherwise preserves the integrity of the reading frame. The frequency data for this variant in the population databases is considered unreliable, as metrics indicate insufficient coverage at this position in the gnomAD database. This variant has not been reported in the literature in individuals affected with PURA-related conditions. In summary, the available evidence is currently insufficient to determine the role of this variant in disease. Therefore, it has been classified as a Variant of Uncertain Significance.